The following is an entry in ClinVar:

NM_001130004.2(ACTN1):c.1623T>G (p.Ile541Met)

Gene: ACTN1 (actinin alpha 1; minus strand). Cytogenetic location: 14q24.1.
Variant type: single nucleotide variant.
Coding change: c.1623T>G on transcript NM_001130004.2 (MANE Select); coding-DNA position 1623, T replaced by G.
Protein change: p.Ile541Met; replaces isoleucine 541 with methionine.
Molecular consequence: missense variant.
Genome position (GRCh38, 1-based): chr14:68,884,180, A>C on the plus strand (T>G on the coding strand, the complement: ACTN1 is on the minus strand). VCF-style: chr14-68884180-A-C. GRCh37 (hg19) VCF-style: chr14-69350897-A-C.
Other names: c.1623T>G, p.Ile541Met (NM_001102.4, NM_001130005.2, NM_001424012.1 and 7 more transcripts); c.1647T>G, p.Ile549Met (NM_001411035.1, NM_001424016.1); c.1428T>G, p.Ile476Met (NM_001411036.1, NM_001424026.1, NM_001424028.1); c.1749T>G, p.Ile583Met (NM_001424013.1); c.1710T>G, p.Ile570Met (NM_001424015.1); c.1620T>G, p.Ile540Met (NM_001424017.1); c.1584T>G, p.Ile528Met (NM_001424018.1); c.1560T>G, p.Ile520Met (NM_001424020.1, NM_001424022.1); and 2 more; short protein forms I266M, I476M, I518M, I520M, I528M, I540M, I541M, I549M.
Identifiers: ClinVar variation 3604155 (VCV003604155.2).
Genomic context (GRCh38, chr14:68,884,180, plus strand): 5'-CAGGGGCCCCAGGGGAGCCAGCCTCCGGGGAGTGGAGGTGGGGCTCACCTGGATCTCCTC[A>C]ATGGTGTGCACAATGAAGGTGTCCTGCAGGTCCTCCATGGCCCCCTCCATCCAGTTGTTG-3'
Protein context (NP_001123476.1, residues 531-551): DLQDTFIVHT[Ile541Met]EEIQGLTTAH

ClinVar aggregate classification (germline): Uncertain significance (1 of 4 stars; one submission).

gnomAD v4.1: 3 of 1,613,506 alleles (0.00019%); highest among the groups gnomAD compares: Admixed American, 0.005%; no homozygotes.

Submission:

Labcorp Genetics (formerly Invitae), Labcorp
Classification: Uncertain significance. Last evaluated: 2024-10-22. Review status: criteria provided, single submitter. Criteria: Invitae Variant Classification Sherloc (09022015). Collection method: clinical testing. Allele origin: germline.
Comment: This sequence change replaces isoleucine, which is neutral and non-polar, with methionine, which is neutral and non-polar, at codon 541 of the ACTN1 protein (p.Ile541Met). This variant is not present in population databases (gnomAD no frequency). This variant has not been reported in the literature in individuals affected with ACTN1-related conditions. Invitae Evidence Modeling of protein sequence and biophysical properties (such as structural, functional, and spatial information, amino acid conservation, physicochemical variation, residue mobility, and thermodynamic stability) indicates that this missense variant is not expected to disrupt ACTN1 protein function with a negative predictive value of 80%. In summary, the available evidence is currently insufficient to determine the role of this variant in disease. Therefore, it has been classified as a Variant of Uncertain Significance.